The following is an entry in ClinVar:

ClinVar aggregate classification (germline): Uncertain significance (1 of 4 stars; one submission).

Conditions:
PKD1-related disorder. Also called: PKD1-related condition.

Submission:

PreventionGenetics, part of Exact Sciences
Classification: Uncertain significance for PKD1-related condition. Last evaluated: 2026-01-14. Review status: criteria provided, single submitter. Criteria: ACMG Guidelines, 2015. Collection method: clinical testing. Allele origin: germline.
Comment: The PKD1 c.12445-9C>A variant is predicted to interfere with splicing. This variant is predicted to alter splicing based on available splicing prediction programs (Alamut Visual Plus v1.6.1; SpliceAI, Jaganathan et al. 2019. PubMed ID: 30661751). However, the use of computer prediction programs is not equivalent to functional evidence. To our knowledge, this variant has not been reported in the literature or in a large population database (gnomAD), indicating this variant is rare. Of note, in addition to canonical splice variants at the nearby splice acceptor site, a deeper intronic variant, defined as c.12445-14T>C, has been reported to be pathogenic for autosomal dominant polycystic kidney disease (ADPKD) due to insertion of 30 extra amino acids to the protein by RT-PCR studies (reported as IVS45-14T>C in Burtey et al. 2002. PubMed ID: 12070253). Although we highly suspect that the c.12445-9C>A variant is pathogenic, at this time, the clinical significance of this variant is uncertain due to the absence of conclusive functional and genetic evidence.

NM_001009944.3(PKD1):c.12445-9C>A

Genes: MIR1225 (microRNA 1225; minus strand), PKD1 (polycystin 1, transient receptor potential channel interacting; minus strand). Cytogenetic location: 16p13.3.
Variant type: single nucleotide variant.
Coding change: c.12445-9C>A on transcript NM_001009944.3 (MANE Select); 9 bases into the intron before coding-DNA position 12445, C replaced by A.
Molecular consequence: intron variant. On other transcripts: non-coding transcript variant (1).
Genome position (GRCh38, 1-based): chr16:2,090,203, G>T on the plus strand (C>A on the coding strand, the complement: PKD1 is on the minus strand). VCF-style: chr16-2090203-G-T. GRCh37 (hg19) VCF-style: chr16-2140204-G-T.
Other names: c.12442-9C>A (NM_000296.4).
Identifiers: ClinVar variation 4992810 (VCV004992810.1).